The following is an entry in ClinVar:

NM_007259.5(VPS45):c.648A>G (p.Leu216=)

Gene: VPS45 (vacuolar protein sorting 45 homolog; plus strand). Cytogenetic location: 1q21.2.
Variant type: single nucleotide variant.
Coding change: c.648A>G on transcript NM_007259.5 (MANE Select); coding-DNA position 648, A replaced by G.
Protein change: p.Leu216=; no amino-acid change (leucine 216 retained).
Molecular consequence: synonymous variant. On other transcripts: non-coding transcript variant (1).
Genome position (GRCh38, 1-based): chr1:150,077,740, A>G. VCF-style: chr1-150077740-A-G. GRCh37 (hg19) VCF-style: chr1-150049818-A-G.
Other names: c.333A>G, p.Leu111= (NM_001279353.2); c.540A>G, p.Leu180= (NM_001279354.2).
Identifiers: ClinVar variation 3026049 (VCV003026049.22), dbSNP rs2526104871, ClinGen allele CA420660830.

ClinVar aggregate classification (germline): Likely benign (1 of 4 stars; one submission).

Submission:

CeGaT Center for Human Genetics Tuebingen
Classification: Likely benign. Last evaluated: 2024-02-01. Review status: criteria provided, single submitter. Criteria: CeGaT Center For Human Genetics Tuebingen Variant Classification Criteria Version 2. Collection method: clinical testing. Allele origin: germline. Affected: yes. Observed: 1 variant allele.
Comment: VPS45: PM2:Supporting, BP4, BP7